The following is an entry in ClinVar:

NM_052988.5(CDK10):c.1043C>A (p.Pro348Gln)

Gene: CDK10 (cyclin dependent kinase 10; plus strand). Cytogenetic location: 16q24.3.
Variant type: single nucleotide variant.
Coding change: c.1043C>A on transcript NM_052988.5 (MANE Select); coding-DNA position 1043, C replaced by A.
Protein change: p.Pro348Gln; replaces proline 348 with glutamine.
Molecular consequence: missense variant. On other transcripts: non-coding transcript variant (1), intron variant (1).
Genome position (GRCh38, 1-based): chr16:89,695,652, C>A. VCF-style: chr16-89695652-C-A. GRCh37 (hg19) VCF-style: chr16-89762060-C-A.
Other names: c.812C>A, p.Pro271Gln (NM_001098533.3); c.830C>A, p.Pro277Gln (NM_001160367.2); c.773-77C>A (NM_052987.4); c.1043C>A (NM_052988.4); short protein forms P271Q, P277Q, P348Q.
Identifiers: ClinVar variation 2647131 (VCV002647131.24), dbSNP rs370511293, ClinGen allele CA8248321.

ClinVar aggregate classification (germline): Conflicting classifications of pathogenicity. Review status: criteria provided, conflicting classifications (1 of 4 stars). 2 submissions from 2 submitters: Uncertain significance (1); Likely benign (1). Last evaluated 2025-10-15.

Conditions:
Inborn genetic diseases. Identifiers: MedGen C0950123, MeSH D030342.

Allele frequency attached by ClinVar (database versions not stated): gnomAD 0.00005; TOPMed 0.00006; ESP Exome Variant Server 0.00015; ExAC 0.00005.

Submissions (2):

Ambry Genetics
Classification: Uncertain significance for Inborn genetic diseases. Last evaluated: 2025-10-15. Review status: criteria provided, single submitter. Criteria: Ambry Variant Classification Scheme 2023. Collection method: clinical testing. Allele origin: germline.

CeGaT Center for Human Genetics Tuebingen
Classification: Likely benign. Last evaluated: 2023-01-01. Review status: criteria provided, single submitter. Criteria: CeGaT Center For Human Genetics Tuebingen Variant Classification Criteria Version 2. Collection method: clinical testing. Allele origin: germline. Affected: yes. Observed: 1 variant allele.
Comment: CDK10: BP4